The following is an entry in ClinVar:

ClinVar aggregate classification (germline): Benign. Review status: criteria provided, multiple submitters, no conflicts (2 of 4 stars). 2 submissions from 2 submitters: Benign (2). Last evaluated 2026-01-26.

Conditions:
Early-infantile DEE. Also called: Ohtahara syndrome; Early infantile epileptic encephalopathy; Early infantile epileptic encephalopathy with suppression bursts. Identifiers: Orphanet 1934, MedGen C0393706, MONDO:0800491.

Allele frequency attached by ClinVar (database versions not stated): 1000 Genomes Project 0.00140; 1000 Genomes Project 30x 0.00203; gnomAD 0.00203 and 0.00217; TOPMed 0.00244.
gnomAD v4.1: 302 of 151,414 alleles (0.2%); highest among the groups gnomAD compares: African/African-American, 0.71%; 2 homozygotes.

Submissions (2):

Labcorp Genetics (formerly Invitae), Labcorp
Classification: Benign for Early-infantile DEE. Last evaluated: 2026-01-26. Review status: criteria provided, single submitter. Criteria: Invitae Variant Classification Sherloc (09022015). Collection method: clinical testing. Allele origin: germline.

Mayo Clinic Laboratories, Mayo Clinic
Classification: Benign. Last evaluated: 2025-07-16. Review status: criteria provided, single submitter. Criteria: ACMG Guidelines, 2015. Collection method: clinical testing. Allele origin: germline. Observed: 1 variant allele.
Comment: BA1, BP4, BP7

NM_001165963.4(SCN1A):c.4002+2261A>C

Genes: SCN1A (sodium voltage-gated channel alpha subunit 1; minus strand), LOC102724058 (uncharacterized LOC102724058; plus strand). Cytogenetic location: 2q24.3.
Variant type: single nucleotide variant.
Coding change: c.4002+2261A>C on transcript NM_001165963.4 (MANE Select); 2261 bases into the intron after coding-DNA position 4002, A replaced by C.
Molecular consequence: intron variant.
Genome position (GRCh38, 1-based): chr2:166,007,458, T>G on the plus strand (A>C on the coding strand, the complement: SCN1A is on the minus strand). VCF-style: chr2-166007458-T-G. GRCh37 (hg19) VCF-style: chr2-166863968-T-G.
Other names: p.?; c.4002+2261A>C (NM_001165963.3, NM_001202435.3, NM_001353948.2); c.3969+2261A>C (NM_001353949.2, NM_001353950.2, NM_001353951.2 and 2 more transcripts); c.3918+2261A>C (NM_001353958.2, NM_001353957.2, NM_001165964.3); c.3966+2261A>C (NM_001353955.2, NM_001353954.2); c.3915+2261A>C (NM_001353960.2); c.1560+2261A>C (NM_001353961.2).
Identifiers: ClinVar variation 1652002 (VCV001652002.10), dbSNP rs539758485, ClinGen allele CA59771627.